The following is an entry in ClinVar:

NM_001291415.2(KDM6A):c.3954_3955dup (p.Ile1319fs)

Gene: KDM6A (lysine demethylase 6A; plus strand). Cytogenetic location: Xp11.3.
Variant type: Duplication.
Coding change: c.3954_3955dup on transcript NM_001291415.2 (MANE Select); coding-DNA positions 3954 to 3955, 2 bases duplicated (AA; older notation c.3954_3955dupAA).
Protein change: p.Ile1319fs; shifts the reading frame from isoleucine 1319.
Molecular consequence: frameshift variant. On other transcripts: non-coding transcript variant (1).
Genome position (GRCh38, 1-based): chrX:45,090,784-45,090,785, AA duplicated. VCF-style (leftmost placement, unchanged base first): chrX-45090783-C-CAA. GRCh37 (hg19) VCF-style: chrX-44950028-C-CAA.
Other names: c.3819_3820dup, p.Ile1274fs (NM_001291416.2); c.3663_3664dup, p.Ile1222fs (NM_001291417.2); c.3561_3562dup, p.Ile1188fs (NM_001291418.2); c.2910_2911dup, p.Ile971fs (NM_001291421.2); c.3696_3697dup, p.Ile1233fs (NM_001410742.1); c.3954_3955dup, p.Ile1319Lysfs (NM_001419809.1); c.3852_3853dup, p.Ile1285Lysfs (NM_001419810.1, NM_001419813.1); c.3819_3820dup, p.Ile1274Lysfs (NM_001419811.1); and 4 more; short protein forms I1188fs, I1222fs, I1233fs, I1267fs, I1274fs, I1319fs, I971fs.
Identifiers: ClinVar variation 2581534 (VCV002581534.1), dbSNP rs1315389362, ClinGen allele CA2582342906.
Genomic context (GRCh38, chrX:45,090,783, plus strand): 5'-CCTGCCAGTATAAATTGGCAGTGGAACGGTACGAATGGAACAAATTGCAAAGTGTGAAGT[C>CAA]AATAGTACCCATGGTTCATCTTTCCTGGAATATGGCACGAAATATCAAGGTCTCAGATCC-3'

ClinVar aggregate classification (germline): Pathogenic (1 of 4 stars; one submission).

Conditions:
Kabuki syndrome 2 (KABUK2). Also called: KDM6A-Related Kabuki Syndrome. Identifiers: Orphanet 2322, MedGen C3275495, MONDO:0010465, OMIM 300867.

Submission:

Women's Health and Genetics/Laboratory Corporation of America, LabCorp
Classification: Pathogenic for Kabuki syndrome 2. Last evaluated: 2023-08-07. Review status: criteria provided, single submitter. Criteria: LabCorp Variant Classification Summary - May 2015. Collection method: clinical testing. Allele origin: germline.
Comment: Variant summary: KDM6A c.3798_3799dupAA (p.Ile1267LysfsX2) results in a premature termination codon, predicted to cause an absence of the protein due to nonsense mediated decay, which is a commonly known mechanism for disease. The variant was absent in 183323 control chromosomes. To our knowledge, no occurrence of c.3798_3799dupAA in individuals affected with Kabuki Syndrome 2 and no experimental evidence demonstrating its impact on protein function have been reported. No submitters have cited clinical-significance assessments for this variant to ClinVar after 2014. Based on the evidence outlined above, the variant was classified as pathogenic.